The following is an entry in ClinVar:

ClinVar aggregate classification (germline): Uncertain significance (1 of 4 stars; one submission).

Conditions:
Trichorhinophalangeal syndrome, type III (TRPS3). Also called: SUGIO-KAJII SYNDROME. Identifiers: Orphanet 77258, MedGen C1860823, OMIM 190351, MONDO:0008597.
Trichorhinophalangeal dysplasia type I (TRPS1). Also called: TRPS I; TRICHORHINOPHALANGEAL SYNDROME, TYPE I. Identifiers: Orphanet 77258, MedGen C0432233, MONDO:0008596, OMIM 190350.

Allele frequency attached by ClinVar (database versions not stated): ExAC 0.00001; gnomAD exomes 0.00001 and 0.00002.
gnomAD v4.1: 13 of 1,614,208 alleles (0.00081%); highest among the groups gnomAD compares: South Asian, 0.011%; no homozygotes.

Submission:

Labcorp Genetics (formerly Invitae), Labcorp
Classification: Uncertain significance for Trichorhinophalangeal syndrome, type III; Trichorhinophalangeal dysplasia type I. Last evaluated: 2024-07-29. Review status: criteria provided, single submitter. Criteria: Invitae Variant Classification Sherloc (09022015). Collection method: clinical testing. Allele origin: germline.
Comment: This sequence change replaces glutamine, which is neutral and polar, with glutamic acid, which is acidic and polar, at codon 201 of the TRPS1 protein (p.Gln201Glu). This variant is present in population databases (rs766826774, gnomAD 0.01%). This variant has not been reported in the literature in individuals affected with TRPS1-related conditions. ClinVar contains an entry for this variant (Variation ID: 1394696). Advanced modeling of protein sequence and biophysical properties (such as structural, functional, and spatial information, amino acid conservation, physicochemical variation, residue mobility, and thermodynamic stability) performed at Invitae indicates that this missense variant is not expected to disrupt TRPS1 protein function with a negative predictive value of 80%. In summary, the available evidence is currently insufficient to determine the role of this variant in disease. Therefore, it has been classified as a Variant of Uncertain Significance.

NM_014112.5(TRPS1):c.601C>G (p.Gln201Glu)

Gene: TRPS1 (transcriptional repressor GATA binding 1; minus strand). Cytogenetic location: 8q23.3.
Variant type: single nucleotide variant.
Coding change: c.601C>G on transcript NM_014112.5 (MANE Select); coding-DNA position 601, C replaced by G.
Protein change: p.Gln201Glu; replaces glutamine 201 with glutamic acid.
Molecular consequence: missense variant.
Genome position (GRCh38, 1-based): chr8:115,619,497, G>C on the plus strand (C>G on the coding strand, the complement: TRPS1 is on the minus strand). VCF-style: chr8-115619497-G-C. GRCh37 (hg19) VCF-style: chr8-116631724-G-C.
Other names: c.574C>G, p.Gln192Glu (NM_001282902.3); c.580C>G, p.Gln194Glu (NM_001282903.3); c.562C>G, p.Gln188Glu (NM_001330599.2); short protein forms Q201E, Q188E, Q192E, Q194E.
Identifiers: ClinVar variation 1394696 (VCV001394696.6), dbSNP rs766826774, ClinGen allele CA4851972.